The following is an entry in ClinVar:

NM_002471.4(MYH6):c.4960-17A>T

Genes: MYH6 (myosin heavy chain 6; minus strand), LOC126861896 (BRD4-independent group 4 enhancer GRCh37_chr14:23854904-23856103; plus strand). Cytogenetic location: 14q11.2.
Variant type: single nucleotide variant.
Coding change: c.4960-17A>T on transcript NM_002471.4 (MANE Select); 17 bases into the intron before coding-DNA position 4960, A replaced by T.
Molecular consequence: intron variant.
Genome position (GRCh38, 1-based): chr14:23,386,148, T>A on the plus strand (A>T on the coding strand, the complement: MYH6 is on the minus strand). VCF-style: chr14-23386148-T-A. GRCh37 (hg19) VCF-style: chr14-23855357-T-A.
Identifiers: ClinVar variation 36632 (VCV000036632.17), dbSNP rs28730764, ClinGen allele CA325765.

ClinVar aggregate classification (germline): Benign. Review status: criteria provided, multiple submitters, no conflicts (2 of 4 stars). 8 submissions from 8 submitters: Benign (5). 3 of the submissions do not count toward it. Last evaluated 2026-02-04.

Conditions:
Hypertrophic cardiomyopathy 14. Identifiers: MedGen C2750467, MONDO:0013197, OMIM 613251.

Allele frequency attached by ClinVar (database versions not stated): gnomAD exomes 0.01366; ExAC 0.01579; gnomAD 0.03786 and 0.03950; TOPMed 0.04286; 1000 Genomes Project 30x 0.05340; ESP Exome Variant Server 0.04475; 1000 Genomes Project 0.04892.
gnomAD v4.1: 17,386 of 1,613,188 alleles (1.1%); highest among the groups gnomAD compares: African/African-American, 12%; 606 homozygotes.

Submissions (8):

Labcorp Genetics (formerly Invitae), Labcorp
Classification: Benign for Hypertrophic cardiomyopathy 14. Last evaluated: 2026-02-04. Review status: criteria provided, single submitter. Criteria: Invitae Variant Classification Sherloc (09022015). Collection method: clinical testing. Allele origin: germline.

Women's Health and Genetics/Laboratory Corporation of America, LabCorp
Classification: Benign. Last evaluated: 2019-10-29. Review status: criteria provided, single submitter. Criteria: LabCorp Variant Classification Summary - May 2015. Collection method: clinical testing. Allele origin: germline.
Comment: Variant summary: MYH6 c.4960-17A>T alters a non-conserved nucleotide located close to a canonical splice site and therefore could affect mRNA splicing, leading to a significantly altered protein sequence. 5/5 computational tools predict no significant impact on normal splicing. However, these predictions have yet to be confirmed by functional studies. The variant allele was found at a frequency of 0.014 in 250952 control chromosomes in the gnomAD database, including 142 homozygotes. The observed variant frequency is approximately 546 fold of the estimated maximal expected allele frequency for a pathogenic variant in MYH6 causing Cardiomyopathy phenotype (2.5e-05), strongly suggesting that the variant is benign. To our knowledge, no occurrence of c.4960-17A>T in individuals affected with Cardiomyopathy and no experimental evidence demonstrating its impact on protein function have been reported. One ClinVar submitter (evaluation after 2014) cites the variant as benign. Based on the evidence outlined above, the variant was classified as benign.

GeneDx
Classification: Benign. Last evaluated: 2016-10-13. Review status: criteria provided, single submitter. Criteria: GeneDx Variant Classification (06012015). Collection method: clinical testing. Allele origin: germline. Affected: yes.
Comment: This variant is considered likely benign or benign based on one or more of the following criteria: it is a conservative change, it occurs at a poorly conserved position in the protein, it is predicted to be benign by multiple in silico algorithms, and/or has population frequency not consistent with disease.

Breakthrough Genomics
Classification: Benign. Review status: criteria provided, single submitter. Criteria: ACMG Guidelines, 2015. Collection method: not provided. Allele origin: germline. Inheritance: Autosomal dominant inheritance. Affected: yes.

PreventionGenetics, part of Exact Sciences
Classification: Benign. Review status: criteria provided, single submitter. Criteria: ACMG Guidelines, 2015. Collection method: clinical testing. Allele origin: germline.

Clinical Genetics DNA and cytogenetics Diagnostics Lab, Erasmus MC, Erasmus Medical Center
Classification: Benign. Review status: no assertion criteria provided. Collection method: clinical testing. Allele origin: germline. Affected: yes. Study: VKGL Data-share Consensus. Not counted in ClinVar's aggregate classification.

Clinical Genetics, Academic Medical Center
Classification: Benign. Review status: no assertion criteria provided. Collection method: clinical testing. Allele origin: germline. Affected: yes. Study: VKGL Data-share Consensus. Not counted in ClinVar's aggregate classification.

Joint Genome Diagnostic Labs from Nijmegen and Maastricht, Radboudumc and MUMC+
Classification: Benign. Review status: no assertion criteria provided. Collection method: clinical testing. Allele origin: germline. Affected: yes. Study: VKGL Data-share Consensus. Not counted in ClinVar's aggregate classification.